The following is an entry in ClinVar:

NM_017841.4(SDHAF2):c.371-3C>G

Gene: SDHAF2 (succinate dehydrogenase complex assembly factor 2; plus strand). Cytogenetic location: 11q12.2.
Variant type: single nucleotide variant.
Coding change: c.371-3C>G on transcript NM_017841.4 (MANE Select); 3 bases into the intron before coding-DNA position 371, C replaced by G.
Molecular consequence: intron variant.
Genome position (GRCh38, 1-based): chr11:61,445,938, C>G. VCF-style: chr11-61445938-C-G. GRCh37 (hg19) VCF-style: chr11-61213410-C-G.
Identifiers: ClinVar variation 4161217 (VCV004161217.1).

ClinVar aggregate classification (germline): Uncertain significance (1 of 4 stars; one submission).

Conditions:
Hereditary cancer-predisposing syndrome. Also called: Neoplastic Syndromes, Hereditary; Tumor predisposition; Hereditary Cancer Syndrome; Hereditary neoplastic syndrome. Identifiers: Orphanet 140162, MedGen C0027672, MeSH D009386, MONDO:0015356.

Submission:

Ambry Genetics
Classification: Uncertain significance for Hereditary cancer-predisposing syndrome. Last evaluated: 2025-08-04. Review status: criteria provided, single submitter. Criteria: Ambry Variant Classification Scheme 2023. Collection method: clinical testing. Allele origin: germline.
Comment: The c.371-3C>G intronic variant results from a C to G substitution 3 nucleotides upstream from coding exon 4 in the SDHAF2 gene. This nucleotide position is well conserved in available vertebrate species. In silico splice site analysis predicts that this alteration will weaken the native splice acceptor site; however, direct evidence is insufficient at this time (Ambry internal data). Based on the available evidence, the clinical significance of this variant remains unclear.